The following is an entry in ClinVar:

NM_198525.3(KIF7):c.2996G>T (p.Ser999Ile)

Gene: KIF7 (kinesin family member 7; minus strand). Cytogenetic location: 15q26.1.
Variant type: single nucleotide variant.
Coding change: c.2996G>T on transcript NM_198525.3 (MANE Select); coding-DNA position 2996, G replaced by T.
Protein change: p.Ser999Ile; replaces serine 999 with isoleucine.
Molecular consequence: missense variant.
Genome position (GRCh38, 1-based): chr15:89,631,610, C>A on the plus strand (G>T on the coding strand, the complement: KIF7 is on the minus strand). VCF-style: chr15-89631610-C-A. GRCh37 (hg19) VCF-style: chr15-90174841-C-A.
Other names: short protein forms S999I.
Identifiers: ClinVar variation 1408929 (VCV001408929.6), dbSNP rs1375916466, ClinGen allele CA393757183.

ClinVar aggregate classification (germline): Uncertain significance (1 of 4 stars; one submission).

Conditions:
Acrocallosal syndrome (ACLS). Also called: HALLUX DUPLICATION, POSTAXIAL POLYDACTYLY, AND ABSENCE OF CORPUS CALLOSUM; Schinzel syndrome 1; Absence of corpus callosum with unusual facial appearance, mental deficiency, duplication of the halluces and polydactyly. Identifiers: Orphanet 36, MedGen C0796147, MONDO:0008708, OMIM 200990.

Allele frequency attached by ClinVar (database versions not stated): gnomAD exomes below 0.00001 and 0.00001; TOPMed below 0.00001; gnomAD 0.00001.
gnomAD v4.1: 3 of 1,561,486 alleles (0.00019%); highest among the groups gnomAD compares: African/African-American, 0.0041%; no homozygotes.

Submission:

Labcorp Genetics (formerly Invitae), Labcorp
Classification: Uncertain significance for Acrocallosal syndrome. Last evaluated: 2022-07-19. Review status: criteria provided, single submitter. Criteria: Invitae Variant Classification Sherloc (09022015). Collection method: clinical testing. Allele origin: germline.
Comment: In summary, the available evidence is currently insufficient to determine the role of this variant in disease. Therefore, it has been classified as a Variant of Uncertain Significance. Algorithms developed to predict the effect of missense changes on protein structure and function are either unavailable or do not agree on the potential impact of this missense change (SIFT: "Deleterious"; PolyPhen-2: "Benign"; Align-GVGD: "Class C25"). ClinVar contains an entry for this variant (Variation ID: 1408929). This variant has not been reported in the literature in individuals affected with KIF7-related conditions. The frequency data for this variant in the population databases is considered unreliable, as metrics indicate poor data quality at this position in the gnomAD database. This sequence change replaces serine, which is neutral and polar, with isoleucine, which is neutral and non-polar, at codon 999 of the KIF7 protein (p.Ser999Ile).